The following is an entry in ClinVar:

NM_000204.5(CFI):c.1644A>C (p.Glu548Asp)

Gene: CFI (complement factor I; minus strand). Cytogenetic location: 4q25.
Variant type: single nucleotide variant.
Coding change: c.1644A>C on transcript NM_000204.5 (MANE Select); coding-DNA position 1644, A replaced by C.
Protein change: p.Glu548Asp; replaces glutamic acid 548 with aspartic acid.
Molecular consequence: missense variant. On other transcripts: non-coding transcript variant (3), intron variant (5).
Genome position (GRCh38, 1-based): chr4:109,741,001, T>G on the plus strand (A>C on the coding strand, the complement: CFI is on the minus strand). VCF-style: chr4-109741001-T-G. GRCh37 (hg19) VCF-style: chr4-110662157-T-G.
Other names: c.1668A>C, p.Glu556Asp (NM_001318057.2); c.1623A>C, p.Glu541Asp (NM_001331035.2); c.1587A>C, p.Glu529Asp (NM_001375283.1); c.1035A>C, p.Glu345Asp (NM_001375284.1); c.1513+1490A>C (NM_001375282.1, NM_001375280.1); c.1534+1490A>C (NM_001375281.1, NM_001375279.1); c.1558+1490A>C (NM_001375278.1); short protein forms E345D, E548D, E529D, E541D, E556D.
Identifiers: ClinVar variation 2724049 (VCV002724049.3), dbSNP rs2545357700, ClinGen allele CA357854475.
Genomic context (GRCh38, chr4:109,741,001, plus strand): 5'-CCAGTCAAAATAATTGGCCACTTTGGTGTAAACACCTGGGAACTCTGGTTTTCCACAGTT[T>G]TCCCCCCAACTCACAACACCCCAGACATAAGTCACATTGTTGGCATCCATACAGACTAAG-3'
Protein context (NP_000195.3, residues 538-558): TYVWGVVSWG[Glu548Asp]NCGKPEFPGV

ClinVar aggregate classification (germline): Uncertain significance (1 of 4 stars; one submission).

Submission:

Labcorp Genetics (formerly Invitae), Labcorp
Classification: Uncertain significance. Last evaluated: 2023-06-24. Review status: criteria provided, single submitter. Criteria: Invitae Variant Classification Sherloc (09022015). Collection method: clinical testing. Allele origin: germline.
Comment: In summary, the available evidence is currently insufficient to determine the role of this variant in disease. Therefore, it has been classified as a Variant of Uncertain Significance. Advanced modeling of protein sequence and biophysical properties (such as structural, functional, and spatial information, amino acid conservation, physicochemical variation, residue mobility, and thermodynamic stability) performed at Invitae indicates that this missense variant is not expected to disrupt CFI protein function. This variant has not been reported in the literature in individuals affected with CFI-related conditions. This variant is not present in population databases (gnomAD no frequency). This sequence change replaces glutamic acid, which is acidic and polar, with aspartic acid, which is acidic and polar, at codon 548 of the CFI protein (p.Glu548Asp).